The following is an entry in ClinVar:

ClinVar aggregate classification (germline): Conflicting classifications of pathogenicity. Review status: criteria provided, conflicting classifications (1 of 4 stars). 2 submissions from 2 submitters: Uncertain significance (1); Likely benign (1). Last evaluated 2023-03-23.

Conditions:
Hereditary cancer-predisposing syndrome. Also called: Neoplastic Syndromes, Hereditary; Tumor predisposition; Hereditary neoplastic syndrome; Hereditary Cancer Syndrome. Identifiers: Orphanet 140162, MedGen C0027672, MeSH D009386, MONDO:0015356.

Allele frequency attached by ClinVar (database versions not stated): gnomAD exomes below 0.00001.
gnomAD v4.1: 2 of 1,614,026 alleles (0.00012%); highest among the groups gnomAD compares: Non-Finnish European, 0.00017%; no homozygotes.

Submissions (2):

University of Washington Department of Laboratory Medicine, University of Washington
Classification: Likely benign for Hereditary cancer-predisposing syndrome. Last evaluated: 2023-03-23. Review status: criteria provided, single submitter. Criteria: Dines et al. (Genet Med. 2020). Collection method: curation. Allele origin: germline.
Comment: Missense variant in a coldspot region where missense variants are very unlikely to be pathogenic (PMID:31911673).

BRCA2 exon 11 coldspot. Reclassification based on statistical prior probability.

Ambry Genetics
Classification: Uncertain significance for Hereditary cancer-predisposing syndrome. Last evaluated: 2018-07-30. Review status: criteria provided, single submitter. Criteria: Ambry Variant Classification Scheme 2023. Collection method: clinical testing. Allele origin: germline.
Comment: The p.T1586A variant (also known as c.4756A>G), located in coding exon 10 of the BRCA2 gene, results from an A to G substitution at nucleotide position 4756. The threonine at codon 1586 is replaced by alanine, an amino acid with similar properties. This amino acid position is not well conserved in available vertebrate species. In addition, this alteration is predicted to be tolerated by in silico analysis. Since supporting evidence is limited at this time, the clinical significance of this alteration remains unclear.

NM_000059.4(BRCA2):c.4756A>G (p.Thr1586Ala)

Gene: BRCA2 (BRCA2 DNA repair associated; plus strand). Cytogenetic location: 13q13.1.
Variant type: single nucleotide variant.
Coding change: c.4756A>G on transcript NM_000059.4 (MANE Select); coding-DNA position 4756, A replaced by G.
Protein change: p.Thr1586Ala; replaces threonine 1586 with alanine.
Molecular consequence: missense variant.
Genome position (GRCh38, 1-based): chr13:32,339,111, A>G. VCF-style: chr13-32339111-A-G. GRCh37 (hg19) VCF-style: chr13-32913248-A-G.
Other names: short protein forms T1586A.
Identifiers: ClinVar variation 825146 (VCV000825146.6), dbSNP rs1593903364, ClinGen allele CA387783107.
Genomic context (GRCh38, chr13:32,339,111, plus strand): 5'-ACCCTAAAGTACAGAGAGGCCTGTAAAGACCTTGAATTAGCATGTGAGACCATTGAGATC[A>G]CAGCTGCCCCAAAGTGTAAAGAAATGCAGAATTCTCTCAATAATGATAAAAACCTTGTTT-3'
Protein context (NP_000050.3, residues 1576-1596): LELACETIEI[Thr1586Ala]AAPKCKEMQN